The following is an entry in ClinVar:

ClinVar aggregate classification (germline): Conflicting classifications of pathogenicity. Review status: criteria provided, conflicting classifications (1 of 4 stars). 2 submissions from 2 submitters: Uncertain significance (1); Likely benign (1). Last evaluated 2025-06-19.

Conditions:
Inborn genetic diseases. Identifiers: MedGen C0950123, MeSH D030342.
Congenital myasthenic syndrome 8. Also called: MYASTHENIC SYNDROME, CONGENITAL, DUE TO AGRIN DEFICIENCY; Myasthenic syndrome, congenital, 8, with pre- and postsynaptic defects. Identifiers: Orphanet 590, MedGen C3808739, MONDO:0014052, OMIM 615120.

gnomAD v4.1: 12 of 1,602,004 alleles (0.00075%); highest among the groups gnomAD compares: Middle Eastern, 0.033%; no homozygotes.

Submissions (2):

Ambry Genetics
Classification: Likely benign for Inborn genetic diseases. Last evaluated: 2025-06-19. Review status: criteria provided, single submitter. Criteria: Ambry Variant Classification Scheme 2023. Collection method: clinical testing. Allele origin: germline.

Labcorp Genetics (formerly Invitae), Labcorp
Classification: Uncertain significance for Congenital myasthenic syndrome 8. Last evaluated: 2022-02-03. Review status: criteria provided, single submitter. Criteria: Invitae Variant Classification Sherloc (09022015). Collection method: clinical testing. Allele origin: germline.
Comment: Algorithms developed to predict the effect of missense changes on protein structure and function output the following: SIFT: "Tolerated"; PolyPhen-2: "Possibly Damaging"; Align-GVGD: "Class C0". The proline amino acid residue is found in multiple mammalian species, which suggests that this missense change does not adversely affect protein function. This variant has not been reported in the literature in individuals affected with AGRN-related conditions. This variant is present in population databases (rs144781935, gnomAD 0.007%). This sequence change replaces alanine, which is neutral and non-polar, with proline, which is neutral and non-polar, at codon 1012 of the AGRN protein (p.Ala1012Pro). In summary, the available evidence is currently insufficient to determine the role of this variant in disease. Therefore, it has been classified as a Variant of Uncertain Significance.

NM_198576.4(AGRN):c.3034G>C (p.Ala1012Pro)

Gene: AGRN (agrin; plus strand). Cytogenetic location: 1p36.33.
Variant type: single nucleotide variant.
Coding change: c.3034G>C on transcript NM_198576.4 (MANE Select); coding-DNA position 3034, G replaced by C.
Protein change: p.Ala1012Pro; replaces alanine 1012 with proline.
Molecular consequence: missense variant.
Genome position (GRCh38, 1-based): chr1:1,046,519, G>C. VCF-style: chr1-1046519-G-C. GRCh37 (hg19) VCF-style: chr1-981899-G-C.
Other names: c.3034G>C (NM_198576.3); c.3034G>C, p.Ala1012Pro (NM_001305275.2); c.2719G>C, p.Ala907Pro (NM_001364727.2); short protein forms A1012P, A907P.
Identifiers: ClinVar variation 1950660 (VCV001950660.6), dbSNP rs144781935, ClinGen allele CA508923.